The following is an entry in ClinVar:

NM_001177316.2(SLC34A3):c.846G>T (p.Pro282=)

Gene: SLC34A3 (solute carrier family 34 member 3; plus strand). Cytogenetic location: 9q34.3.
Variant type: single nucleotide variant.
Coding change: c.846G>T on transcript NM_001177316.2 (MANE Select); coding-DNA position 846, G replaced by T.
Protein change: p.Pro282=; no amino-acid change (proline 282 retained).
Molecular consequence: synonymous variant.
Genome position (GRCh38, 1-based): chr9:137,233,722, G>T. VCF-style: chr9-137233722-G-T. GRCh37 (hg19) VCF-style: chr9-140128174-G-T.
Other names: c.846G>T, p.Pro282= (NM_001177317.2, NM_080877.3).
Identifiers: ClinVar variation 1704137 (VCV001704137.2), dbSNP rs121918236, ClinGen allele CA467868150.

ClinVar aggregate classification (germline): Uncertain significance (1 of 4 stars; one submission).

Submission:

GeneDx
Classification: Uncertain significance. Last evaluated: 2022-02-25. Review status: criteria provided, single submitter. Criteria: GeneDx Variant Classification Process June 2021. Collection method: clinical testing. Allele origin: germline. Affected: yes.
Comment: Not observed at significant frequency in large population cohorts (gnomAD); In silico analysis supports a deleterious effect on splicing; Has not been previously published as pathogenic or benign to our knowledge